The following is an entry in ClinVar:

ClinVar aggregate classification (germline): Uncertain significance (1 of 4 stars; one submission).

Submission:

Labcorp Genetics (formerly Invitae), Labcorp
Classification: Uncertain significance. Last evaluated: 2023-11-28. Review status: criteria provided, single submitter. Criteria: Invitae Variant Classification Sherloc (09022015). Collection method: clinical testing. Allele origin: germline.
Comment: This sequence change replaces lysine, which is basic and polar, with threonine, which is neutral and polar, at codon 630 of the TONSL protein (p.Lys630Thr). This variant is not present in population databases (gnomAD no frequency). This variant has not been reported in the literature in individuals affected with TONSL-related conditions. ClinVar contains an entry for this variant (Variation ID: 1523227). An algorithm developed to predict the effect of missense changes on protein structure and function (PolyPhen-2) suggests that this variant is likely to be disruptive. In summary, the available evidence is currently insufficient to determine the role of this variant in disease. Therefore, it has been classified as a Variant of Uncertain Significance.

NM_013432.5(TONSL):c.1889A>C (p.Lys630Thr)

Genes: TONSL (tonsoku like, DNA repair protein; minus strand), TONSL-AS1 (TONSL antisense RNA 1; plus strand). Cytogenetic location: 8q24.3.
Variant type: single nucleotide variant.
Coding change: c.1889A>C on transcript NM_013432.5 (MANE Select); coding-DNA position 1889, A replaced by C.
Protein change: p.Lys630Thr; replaces lysine 630 with threonine.
Molecular consequence: missense variant. On other transcripts: non-coding transcript variant (1).
Genome position (GRCh38, 1-based): chr8:144,436,758, T>G on the plus strand (A>C on the coding strand, the complement: TONSL is on the minus strand). VCF-style: chr8-144436758-T-G. GRCh37 (hg19) VCF-style: chr8-145662141-T-G.
Other names: short protein forms K630T.
Identifiers: ClinVar variation 1523227 (VCV001523227.8), dbSNP rs2129647928, ClinGen allele CA372660773.